The following is an entry in ClinVar:

ClinVar aggregate classification (germline): Benign. Review status: criteria provided, multiple submitters, no conflicts (2 of 4 stars). 6 submissions from 6 submitters: Benign (5). 1 of the submissions does not count toward it. Last evaluated 2026-02-04.

Conditions:
Usher syndrome type 1 (USH1). Also called: RETINITIS PIGMENTOSA AND CONGENITAL DEAFNESS. Identifiers: Orphanet 231169, Orphanet 886, MedGen C1568247, MONDO:0010168, OMIM 276900.
Usher syndrome type 1F (USH1F). Also called: USHER SYNDROME, TYPE IF. Identifiers: Orphanet 231169, Orphanet 886, MedGen C1865885, MONDO:0011186, OMIM 602083.

Allele frequency attached by ClinVar (database versions not stated): gnomAD 0.01426 and 0.01533; 1000 Genomes Project 0.01577; 1000 Genomes Project 30x 0.01593; ESP Exome Variant Server 0.01607; TOPMed 0.01614.
gnomAD v4.1: 4,190 of 1,597,542 alleles (0.26%); highest among the groups gnomAD compares: African/African-American, 5%; 114 homozygotes.

Submissions (6):

Labcorp Genetics (formerly Invitae), Labcorp
Classification: Benign. Last evaluated: 2026-02-04. Review status: criteria provided, single submitter. Criteria: Invitae Variant Classification Sherloc (09022015). Collection method: clinical testing. Allele origin: germline.

Illumina Laboratory Services, Illumina
Classification: Benign for Usher syndrome type 1. Last evaluated: 2018-01-13. Review status: criteria provided, single submitter. Criteria: ICSL Variant Classification Criteria 13 December 2019. Collection method: clinical testing. Allele origin: germline.
Comment: This variant was observed in the ICSL laboratory as part of a predisposition screen in an ostensibly healthy population. It had not been previously curated by ICSL or reported in the Human Gene Mutation Database (HGMD: prior to June 1st, 2018), and was therefore a candidate for classification through an automated scoring system. Utilizing variant allele frequency, disease prevalence and penetrance estimates, and inheritance mode, an automated score was calculated to assess if this variant is too frequent to cause the disease. Based on the score and internal cut-off values, a variant classified as benign is not then subjected to further curation. The score for this variant resulted in a classification of benign for this disease.

GeneDx
Classification: Benign. Last evaluated: 2016-10-11. Review status: criteria provided, single submitter. Criteria: GeneDx Variant Classification (06012015). Collection method: clinical testing. Allele origin: germline. Affected: yes.
Comment: This variant is considered likely benign or benign based on one or more of the following criteria: it is a conservative change, it occurs at a poorly conserved position in the protein, it is predicted to be benign by multiple in silico algorithms, and/or has population frequency not consistent with disease.

Laboratory for Molecular Medicine, Mass General Brigham Personalized Medicine
Classification: Benign. Last evaluated: 2011-09-17. Review status: criteria provided, single submitter. Criteria: LMM Criteria. Collection method: clinical testing. Allele origin: germline. Observed: 22 variant alleles.
Comment: Glu1265Asp in exon 28 of PCDH15: Glutamate at position 2072 is not conserved acr oss species (3 other amino acids at this position across 14 species) and the Asp artate variant is present in chicken and frog, suggesting that variation at this position is tolerated and unlikely to disrupt protein function. In addition, th is variant is predicted to be benign by three computational programs (AlignGVGD, SIFT, PolyPhen2). In summary, this variant is likely benign.

Breakthrough Genomics
Classification: Benign. Review status: criteria provided, single submitter. Criteria: ACMG Guidelines, 2015. Collection method: not provided. Allele origin: germline. Inheritance: Autosomal recessive inheritance. Affected: yes.

Natera, Inc.
Classification: Benign for Usher syndrome type 1F. Last evaluated: 2020-09-16. Review status: no assertion criteria provided. Collection method: clinical testing. Allele origin: germline. Not counted in ClinVar's aggregate classification.

NM_001384140.1(PCDH15):c.3795A>T (p.Glu1265Asp)

Gene: PCDH15 (protocadherin related 15; minus strand). Cytogenetic location: 10q21.1.
Variant type: single nucleotide variant.
Coding change: c.3795A>T on transcript NM_001384140.1 (MANE Select); coding-DNA position 3795, A replaced by T.
Protein change: p.Glu1265Asp; replaces glutamic acid 1265 with aspartic acid.
Molecular consequence: missense variant.
Genome position (GRCh38, 1-based): chr10:53,857,186, T>A on the plus strand (A>T on the coding strand, the complement: PCDH15 is on the minus strand). VCF-style: chr10-53857186-T-A. GRCh37 (hg19) VCF-style: chr10-55616946-T-A.
Other names: c.3810A>T, p.Glu1270Asp (NM_001142763.2, NM_001142771.2); c.3795A>T, p.Glu1265Asp (NM_001142764.2, NM_001142766.2, NM_001142770.3 and 4 more transcripts); c.3582A>T, p.Glu1194Asp (NM_001142765.2); c.3684A>T, p.Glu1228Asp (NM_001142767.2); c.3729A>T, p.Glu1243Asp (NM_001142768.2, NM_001142773.2, NM_001354404.2); c.3831A>T, p.Glu1277Asp (NM_001142769.4); c.3816A>T, p.Glu1272Asp (NM_001354411.2); short protein forms E1265D, E1243D, E1270D, E1272D, E1277D, E1194D, E1228D.
Identifiers: ClinVar variation 46474 (VCV000046474.21), dbSNP rs111033496, ClinGen allele CA138424.